The following is an entry in ClinVar:

NM_002661.5(PLCG2):c.3395T>A (p.Leu1132Gln)

Gene: PLCG2 (phospholipase C gamma 2; plus strand). Cytogenetic location: 16q23.3.
Variant type: single nucleotide variant.
Coding change: c.3395T>A on transcript NM_002661.5 (MANE Select); coding-DNA position 3395, T replaced by A.
Protein change: p.Leu1132Gln; replaces leucine 1132 with glutamine.
Molecular consequence: missense variant.
Genome position (GRCh38, 1-based): chr16:81,939,973, T>A. VCF-style: chr16-81939973-T-A. GRCh37 (hg19) VCF-style: chr16-81973578-T-A.
Other names: short protein forms L1132Q.
Identifiers: ClinVar variation 2012320 (VCV002012320.4), dbSNP rs2507768198, ClinGen allele CA396908641.
Genomic context (GRCh38, chr16:81,939,973, plus strand): 5'-TCTGGGCTCCAACACAGGAGAAGGTGACATTTGAAATTTATGACCCAAACCTGGCATTTC[T>A]GCGCTTTGTGGTTTATGAAGAAGATATGTTCAGCGATCCCAACTTTCTTGCTCATGCCAC-3'
Protein context (NP_002652.2, residues 1122-1142): FEIYDPNLAF[Leu1132Gln]RFVVYEEDMF

ClinVar aggregate classification (germline): Uncertain significance (1 of 4 stars; one submission).

Conditions:
Familial cold autoinflammatory syndrome 3 (FCAS3). Also called: FAMILIAL ATYPICAL COLD URTICARIA; ANTIBODY DEFICIENCY AND IMMUNE DYSREGULATION, PLCG2-ASSOCIATED. Identifiers: Orphanet 300359, MedGen C3280914, MONDO:0013766, OMIM 614468.

Submission:

Labcorp Genetics (formerly Invitae), Labcorp
Classification: Uncertain significance for Familial cold autoinflammatory syndrome 3. Last evaluated: 2022-06-29. Review status: criteria provided, single submitter. Criteria: Invitae Variant Classification Sherloc (09022015). Collection method: clinical testing. Allele origin: germline.
Comment: This variant has not been reported in the literature in individuals affected with PLCG2-related conditions. In summary, the available evidence is currently insufficient to determine the role of this variant in disease. Therefore, it has been classified as a Variant of Uncertain Significance. Algorithms developed to predict the effect of missense changes on protein structure and function (SIFT, PolyPhen-2, Align-GVGD) all suggest that this variant is likely to be disruptive. This variant is not present in population databases (gnomAD no frequency). This sequence change replaces leucine, which is neutral and non-polar, with glutamine, which is neutral and polar, at codon 1132 of the PLCG2 protein (p.Leu1132Gln).